The following is an entry in ClinVar:

NM_006206.6(PDGFRA):c.794A>C (p.Lys265Thr)

Gene: PDGFRA (platelet derived growth factor receptor alpha; plus strand). Cytogenetic location: 4q12.
Variant type: single nucleotide variant.
Coding change: c.794A>C on transcript NM_006206.6 (MANE Select); coding-DNA position 794, A replaced by C.
Protein change: p.Lys265Thr; replaces lysine 265 with threonine.
Molecular consequence: missense variant.
Genome position (GRCh38, 1-based): chr4:54,267,323, A>C. VCF-style: chr4-54267323-A-C. GRCh37 (hg19) VCF-style: chr4-55133490-A-C.
Other names: c.794A>C, p.Lys265Thr (NM_001347827.2, NM_001347829.2); c.869A>C, p.Lys290Thr (NM_001347828.2); c.833A>C, p.Lys278Thr (NM_001347830.2); short protein forms K265T, K278T, K290T.
Identifiers: ClinVar variation 2052082 (VCV002052082.4), dbSNP rs1723082425, ClinGen allele CA356891125.

ClinVar aggregate classification (germline): Uncertain significance. Review status: criteria provided, multiple submitters, no conflicts (2 of 4 stars). 2 submissions from 2 submitters: Uncertain significance (2). Last evaluated 2025-09-28.

Conditions:
Gastrointestinal stromal tumor. Also called: Gastrointestinal stroma tumor; Gastrointestinal stromal tumor, somatic. Identifiers: Orphanet 44890, MedGen C0238198, MeSH D046152, MONDO:0011719, OMIM 606764, HP:0100723.
Hereditary cancer-predisposing syndrome. Also called: Hereditary neoplastic syndrome; Neoplastic Syndromes, Hereditary; Hereditary Cancer Syndrome; Tumor predisposition. Identifiers: Orphanet 140162, MedGen C0027672, MeSH D009386, MONDO:0015356.

Allele frequency attached by ClinVar (database versions not stated): TOPMed below 0.00001; gnomAD 0.00001.
gnomAD v4.1: 1 of 1,614,088 alleles (0.000062%); highest among the groups gnomAD compares: Non-Finnish European, 0.000085%; no homozygotes.

Submissions (2):

Ambry Genetics
Classification: Uncertain significance for Hereditary cancer-predisposing syndrome. Last evaluated: 2025-09-28. Review status: criteria provided, single submitter. Criteria: Ambry Variant Classification Scheme 2023. Collection method: clinical testing. Allele origin: germline.
Comment: The p.K265T variant (also known as c.794A>C), located in coding exon 5 of the PDGFRA gene, results from an A to C substitution at nucleotide position 794. The lysine at codon 265 is replaced by threonine, an amino acid with similar properties. This amino acid position is conserved. In addition, this alteration is predicted to be tolerated by in silico analysis. Based on the available evidence, the clinical significance of this variant remains unclear.

Labcorp Genetics (formerly Invitae), Labcorp
Classification: Uncertain significance for Gastrointestinal stromal tumor. Last evaluated: 2022-10-08. Review status: criteria provided, single submitter. Criteria: Invitae Variant Classification Sherloc (09022015). Collection method: clinical testing. Allele origin: germline.
Comment: In summary, the available evidence is currently insufficient to determine the role of this variant in disease. Therefore, it has been classified as a Variant of Uncertain Significance. Algorithms developed to predict the effect of missense changes on protein structure and function are either unavailable or do not agree on the potential impact of this missense change (SIFT: "Tolerated"; PolyPhen-2: "Possibly Damaging"; Align-GVGD: "Class C0"). This variant has not been reported in the literature in individuals affected with PDGFRA-related conditions. This variant is not present in population databases (gnomAD no frequency). This sequence change replaces lysine, which is basic and polar, with threonine, which is neutral and polar, at codon 265 of the PDGFRA protein (p.Lys265Thr).